The following is an entry in ClinVar:

ClinVar aggregate classification (germline): Uncertain significance (1 of 4 stars; one submission).

Conditions:
Familial cancer of breast. Also called: BREAST CANCER, FAMILIAL; Hereditary breast cancer; hereditary breast carcinoma. Identifiers: Orphanet 227535, MedGen C0346153, MONDO:0016419, OMIM 114480. Disease mechanism: loss of function.

Submission:

Labcorp Genetics (formerly Invitae), Labcorp
Classification: Uncertain significance for Familial cancer of breast. Last evaluated: 2019-09-29. Review status: criteria provided, single submitter. Criteria: Invitae Variant Classification Sherloc (09022015). Collection method: clinical testing. Allele origin: germline.
Comment: This sequence change replaces glutamine with histidine at codon 775 of the PALB2 protein (p.Gln775His). The glutamine residue is moderately conserved and there is a small physicochemical difference between glutamine and histidine. This variant is not present in population databases (ExAC no frequency). In summary, the available evidence is currently insufficient to determine the role of this variant in disease. Therefore, it has been classified as a Variant of Uncertain Significance. Algorithms developed to predict the effect of missense changes on protein structure and function output the following: SIFT: "Tolerated"; PolyPhen-2: "Benign"; Align-GVGD: "Class C0". The histidine amino acid residue is found in multiple mammalian species, suggesting that this missense change does not adversely affect protein function. These predictions have not been confirmed by published functional studies and their clinical significance is uncertain. This variant has not been reported in the literature in individuals with PALB2-related conditions.

NM_024675.4(PALB2):c.2325A>T (p.Gln775His)

Gene: PALB2 (partner and localizer of BRCA2; minus strand). Cytogenetic location: 16p12.2.
Variant type: single nucleotide variant.
Coding change: c.2325A>T on transcript NM_024675.4 (MANE Select); coding-DNA position 2325, A replaced by T.
Protein change: p.Gln775His; replaces glutamine 775 with histidine.
Molecular consequence: missense variant.
Genome position (GRCh38, 1-based): chr16:23,629,829, T>A on the plus strand (A>T on the coding strand, the complement: PALB2 is on the minus strand). VCF-style: chr16-23629829-T-A. GRCh37 (hg19) VCF-style: chr16-23641150-T-A.
Other names: short protein forms Q775H.
Identifiers: ClinVar variation 935625 (VCV000935625.10), dbSNP rs750089867, ClinGen allele CA395125081.